The following is an entry in ClinVar:

ClinVar aggregate classification (germline): Uncertain significance (1 of 4 stars; one submission).

Conditions:
Pyogenic arthritis-pyoderma gangrenosum-acne syndrome (PAPA). Also called: PAPA SYNDROME; FAMILIAL RECURRENT ARTHRITIS. Identifiers: Orphanet 69126, MedGen C1858361, MONDO:0011462, OMIM 604416.

Submission:

Labcorp Genetics (formerly Invitae), Labcorp
Classification: Uncertain significance for Pyogenic arthritis-pyoderma gangrenosum-acne syndrome. Last evaluated: 2018-10-24. Review status: criteria provided, single submitter. Criteria: Invitae Variant Classification Sherloc (09022015). Collection method: clinical testing. Allele origin: germline.
Comment: This sequence change creates a premature translational stop signal (p.Ile70Profs*34) in the PSTPIP1 gene. It is expected to result in an absent or disrupted protein product. This variant has not been reported in the literature in individuals with PSTPIP1-related disease. The current clinical and genetic evidence is not sufficient to establish whether loss-of-function variants in PSTPIP1 cause disease. In summary, the available evidence is currently insufficient to determine the role of this variant in disease. Therefore, it has been classified as a Variant of Uncertain Significance.

NC_000015.9:g.(?_77310868)_77315342del

Gene: PSTPIP1 (proline-serine-threonine phosphatase interacting protein 1; plus strand).
Variant type: Deletion.
Identifiers: ClinVar variation 1064150 (VCV001064150.2).